The following is an entry in ClinVar:

ClinVar aggregate classification (germline): Uncertain significance (1 of 4 stars; one submission).

Conditions:
Cardiomyopathy (CMYO). Also called: Cardiomyopathies. Identifiers: Orphanet 167848, MedGen C0878544, MONDO:0004994, HP:0001638. Inheritance: Various modes of inheritance.

Submission:

Color Diagnostics, LLC DBA Color Health
Classification: Uncertain significance for Cardiomyopathy. Last evaluated: 2018-10-08. Review status: criteria provided, single submitter. Criteria: ACMG Guidelines, 2015. Collection method: clinical testing. Allele origin: germline.
Comment: Variant of Uncertain Significance due to insufficient evidence: This variant change a single nucleotide in intron 4 canonical splice donor site of the TMEM43 gene. Computational splicing tools predict this variant would have significant impact on RNA splicing. To our knowledge, functional assays have not been performed for this variant nor has this variant been reported in individuals affected with cardiovascular disorders in the literature. This variant is rare in the general population and has been identified in 0/277264 chromosomes by the Genome Aggregation Database (gnomAD). This variant may result in an absent or non-functional protein product. However, the role of TMEM43 truncation variants in cardiovascular disorders is not clearly established. Available evidence is insufficient to determine the pathogenicity of this variant conclusively.

NM_024334.3(TMEM43):c.392+1G>T

Gene: TMEM43 (transmembrane protein 43; plus strand). Cytogenetic location: 3p25.1.
Variant type: single nucleotide variant.
Coding change: c.392+1G>T on transcript NM_024334.3 (MANE Select); the canonical splice donor site of the intron after coding-DNA position 392, G replaced by T.
Molecular consequence: splice donor variant.
Genome position (GRCh38, 1-based): chr3:14,131,675, G>T. VCF-style: chr3-14131675-G-T. GRCh37 (hg19) VCF-style: chr3-14173175-G-T.
Other names: c.392+1G>T (NM_001407274.1, NM_001407276.1, NM_001407275.1 and 2 more transcripts); c.377+1G>T (NM_001407278.1); c.242+1G>T (NM_001407280.1).
Identifiers: ClinVar variation 629458 (VCV000629458.2), dbSNP rs1559360791, ClinGen allele CA351534962.